The following is an entry in ClinVar:

NM_001127208.3(TET2):c.2229A>T (p.Gln743His)

Genes: TET2 (tet methylcytosine dioxygenase 2; plus strand), TET2-AS1 (TET2 antisense RNA 1; minus strand). Cytogenetic location: 4q24.
Variant type: single nucleotide variant.
Coding change: c.2229A>T on transcript NM_001127208.3 (MANE Select); coding-DNA position 2229, A replaced by T.
Protein change: p.Gln743His; replaces glutamine 743 with histidine.
Molecular consequence: missense variant.
Genome position (GRCh38, 1-based): chr4:105,236,171, A>T. VCF-style: chr4-105236171-A-T. GRCh37 (hg19) VCF-style: chr4-106157328-A-T.
Other names: c.2229A>T, p.Gln743His (NM_017628.4); short protein forms Q743H.
Identifiers: ClinVar variation 4685838 (VCV004685838.2).

ClinVar aggregate classification (germline): Uncertain significance. Review status: criteria provided, multiple submitters, no conflicts (2 of 4 stars). 2 submissions from 2 submitters: Uncertain significance (2). Last evaluated 2026-02-21.

Submissions (2):

Ambry Genetics
Classification: Uncertain significance. Last evaluated: 2026-02-21. Review status: criteria provided, single submitter. Criteria: Ambry Variant Classification Scheme 2023. Collection method: clinical testing. Allele origin: germline.
Comment: The p.Q743H variant (also known as c.2229A>T), located in coding exon 1 of the TET2 gene, results from an A to T substitution at nucleotide position 2229. The glutamine at codon 743 is replaced by histidine, an amino acid with highly similar properties. This amino acid position is conserved. In addition, this alteration is predicted to be tolerated by in silico analysis. Based on the available evidence, the clinical significance of this variant remains unclear.

ARUP Laboratories, Molecular Genetics and Genomics, ARUP Laboratories
Classification: Uncertain significance. Last evaluated: 2025-05-21. Review status: criteria provided, single submitter. Criteria: ARUP Molecular Germline Variant Investigation Process 2024. Collection method: clinical testing. Allele origin: germline.
Comment: The TET2 c.2229A>T; p.Gln743His variant (rs904803661), to our knowledge, is not reported in the medical literature or gene specific databases. This variant is also absent from the Genome Aggregation Database (v2.1.1), indicating it is not a common polymorphism. Computational analyses predict that this variant is neutral (REVEL: 0.081). Due to limited information, the clinical significance of this variant is uncertain at this time.